The following is an entry in ClinVar:

NM_005744.5(ARIH1):c.739C>T (p.Arg247Cys)

Gene: ARIH1 (ariadne RBR E3 ubiquitin protein ligase 1; plus strand). Cytogenetic location: 15q24.1.
Variant type: single nucleotide variant.
Coding change: c.739C>T on transcript NM_005744.5 (MANE Select); coding-DNA position 739, C replaced by T.
Protein change: p.Arg247Cys; replaces arginine 247 with cysteine.
Molecular consequence: missense variant.
Genome position (GRCh38, 1-based): chr15:72,561,484, C>T. VCF-style: chr15-72561484-C-T. GRCh37 (hg19) VCF-style: chr15-72853825-C-T.
Other names: short protein forms R247C.
Identifiers: ClinVar variation 1939456 (VCV001939456.5), dbSNP rs754711191, ClinGen allele CA7645576.

ClinVar aggregate classification (germline): Uncertain significance (1 of 4 stars; one submission).

Allele frequency attached by ClinVar (database versions not stated): TOPMed below 0.00001; ExAC 0.00001; gnomAD 0.00001.

Submission:

Labcorp Genetics (formerly Invitae), Labcorp
Classification: Uncertain significance. Last evaluated: 2024-08-19. Review status: criteria provided, single submitter. Criteria: Invitae Variant Classification Sherloc (09022015). Collection method: clinical testing. Allele origin: germline.
Comment: This sequence change replaces arginine, which is basic and polar, with cysteine, which is neutral and slightly polar, at codon 247 of the ARIH1 protein (p.Arg247Cys). This variant is not present in population databases (gnomAD no frequency). This variant has not been reported in the literature in individuals affected with ARIH1-related conditions. ClinVar contains an entry for this variant (Variation ID: 1939456). An algorithm developed to predict the effect of missense changes on protein structure and function (PolyPhen-2) suggests that this variant is likely to be tolerated. In summary, the available evidence is currently insufficient to determine the role of this variant in disease. Therefore, it has been classified as a Variant of Uncertain Significance.